The following is an entry in ClinVar:

NM_020919.4(ALS2):c.2350G>A (p.Glu784Lys)

Gene: ALS2 (alsin Rho guanine nucleotide exchange factor ALS2; minus strand). Cytogenetic location: 2q33.1.
Variant type: single nucleotide variant.
Coding change: c.2350G>A on transcript NM_020919.4 (MANE Select); coding-DNA position 2350, G replaced by A.
Protein change: p.Glu784Lys; replaces glutamic acid 784 with lysine.
Molecular consequence: missense variant.
Genome position (GRCh38, 1-based): chr2:201,741,675, C>T on the plus strand (G>A on the coding strand, the complement: ALS2 is on the minus strand). VCF-style: chr2-201741675-C-T. GRCh37 (hg19) VCF-style: chr2-202606398-C-T.
Other names: c.2350G>A (NM_020919.3); short protein forms E784K.
Identifiers: ClinVar variation 1125862 (VCV001125862.10), dbSNP rs199979606, ClinGen allele CA2058227.

ClinVar aggregate classification (germline): Likely benign. Review status: criteria provided, multiple submitters, no conflicts (2 of 4 stars). 2 submissions from 2 submitters: Likely benign (2). Last evaluated 2026-01-05.

Conditions:
Infantile-onset ascending hereditary spastic paralysis (IAHSP). Also called: Infantile-Onset Ascending Hereditary Spastic Paralysis (IAHSP); Autosomal Recessive Juvenile Amyotrophic Lateral Sclerosis. Identifiers: Orphanet 293168, MedGen C2931441, MONDO:0011797, OMIM 607225. Disease mechanism: loss of function.
ALS2-related disorder. Also called: ALS2-related condition; ALS2-related disorders; ALS2-Related Spectrum Disorders. Identifiers: MedGen CN169291.

Allele frequency attached by ClinVar (database versions not stated): TOPMed 0.00002; gnomAD 0.00015 and 0.00019; gnomAD exomes 0.00015 and 0.00026; ExAC 0.00031.
gnomAD v4.1: 252 of 1,613,894 alleles (0.016%); highest among the groups gnomAD compares: Middle Eastern, 0.016%; 1 homozygote.

Submissions (2):

PreventionGenetics, part of Exact Sciences
Classification: Likely benign for ALS2-related condition. Last evaluated: 2026-01-05. Review status: criteria provided, single submitter. Criteria: ACMG Guidelines, 2015. Collection method: clinical testing. Allele origin: germline.
Comment: This variant is classified as likely benign based on ACMG/AMP sequence variant interpretation guidelines (Richards et al. 2015 PMID: 25741868, with internal and published modifications).

Labcorp Genetics (formerly Invitae), Labcorp
Classification: Likely benign for Infantile-onset ascending hereditary spastic paralysis. Last evaluated: 2023-05-22. Review status: criteria provided, single submitter. Criteria: Invitae Variant Classification Sherloc (09022015). Collection method: clinical testing. Allele origin: germline.